The following is an entry in ClinVar:

ClinVar aggregate classification (germline): Uncertain significance (1 of 4 stars; one submission).

gnomAD v4.1: 1 of 1,181,515 alleles (0.000085%); highest among the groups gnomAD compares: Non-Finnish European, 0.00011%; no homozygotes.

Submission:

GeneDx
Classification: Uncertain significance. Last evaluated: 2025-03-04. Review status: criteria provided, single submitter. Criteria: GeneDx Variant Classification Process June 2021. Collection method: clinical testing. Allele origin: germline. Affected: yes.
Comment: Not observed at significant frequency in large population cohorts (gnomAD); In silico analysis indicates that this variant does not alter splicing; Has not been previously published as pathogenic or benign to our knowledge

NM_139058.3(ARX):c.807C>G (p.Ala269=)

Gene: ARX (aristaless related homeobox; minus strand). Cytogenetic location: Xp21.3.
Variant type: single nucleotide variant.
Coding change: c.807C>G on transcript NM_139058.3 (MANE Select); coding-DNA position 807, C replaced by G.
Protein change: p.Ala269=; no amino-acid change (alanine 269 retained).
Molecular consequence: synonymous variant.
Genome position (GRCh38, 1-based): chrX:25,013,188, G>C on the plus strand (C>G on the coding strand, the complement: ARX is on the minus strand). VCF-style: chrX-25013188-G-C. GRCh37 (hg19) VCF-style: chrX-25031305-G-C.
Identifiers: ClinVar variation 4082738 (VCV004082738.1).